The following is an entry in ClinVar:

NM_004369.4(COL6A3):c.3063A>G (p.Pro1021=)

Gene: COL6A3 (collagen type VI alpha 3 chain; minus strand). Cytogenetic location: 2q37.3.
Variant type: single nucleotide variant.
Coding change: c.3063A>G on transcript NM_004369.4 (MANE Select); coding-DNA position 3063, A replaced by G.
Protein change: p.Pro1021=; no amino-acid change (proline 1021 retained).
Molecular consequence: synonymous variant.
Genome position (GRCh38, 1-based): chr2:237,376,779, T>C on the plus strand (A>G on the coding strand, the complement: COL6A3 is on the minus strand). VCF-style: chr2-237376779-T-C. GRCh37 (hg19) VCF-style: chr2-238285422-T-C.
Other names: c.1842A>G, p.Pro614= (NM_057164.5); c.2445A>G, p.Pro815= (NM_057165.5, NM_057167.4); c.1242A>G, p.Pro414= (NM_057166.5).
Identifiers: ClinVar variation 198508 (VCV000198508.12), dbSNP rs200098134, ClinGen allele CA247186.

ClinVar aggregate classification (germline): Conflicting classifications of pathogenicity. Review status: criteria provided, conflicting classifications (1 of 4 stars). 3 submissions from 3 submitters: Uncertain significance (1); Likely benign (2). Last evaluated 2025-10-21.

Conditions:
Bethlem myopathy 1A. Also called: MYOPATHY, BENIGN CONGENITAL, WITH CONTRACTURES; Bethlem myopathy 1; Bethlem Muscular Dystrophy. Identifiers: Orphanet 610, MedGen CN029274, MONDO:0024530, OMIM 158810.

Allele frequency attached by ClinVar (database versions not stated): gnomAD exomes 0.00001 and 0.00003; ExAC 0.00004; gnomAD 0.00011 and 0.00012; TOPMed 0.00014; ESP Exome Variant Server 0.00031; 1000 Genomes Project 0.00040; 1000 Genomes Project 30x 0.00047.
gnomAD v4.1: 32 of 1,614,220 alleles (0.002%); highest among the groups gnomAD compares: African/African-American, 0.036%; no homozygotes.

Submissions (3):

Labcorp Genetics (formerly Invitae), Labcorp
Classification: Likely benign for Bethlem myopathy 1A. Last evaluated: 2025-10-21. Review status: criteria provided, single submitter. Criteria: Invitae Variant Classification Sherloc (09022015). Collection method: clinical testing. Allele origin: germline.

GeneDx
Classification: Likely benign. Last evaluated: 2017-10-27. Review status: criteria provided, single submitter. Criteria: GeneDx Variant Classification (06012015). Collection method: clinical testing. Allele origin: germline. Affected: yes.
Comment: This variant is considered likely benign or benign based on one or more of the following criteria: it is a conservative change, it occurs at a poorly conserved position in the protein, it is predicted to be benign by multiple in silico algorithms, and/or has population frequency not consistent with disease.

Eurofins Ntd Llc (ga)
Classification: Uncertain significance. Last evaluated: 2016-08-18. Review status: criteria provided, single submitter. Criteria: EGL Classification Definitions 2015. Collection method: clinical testing. Allele origin: germline. Observed: 3 variant alleles, 3 heterozygotes.